The following is an entry in ClinVar:

ClinVar aggregate classification (germline): Benign/Likely benign. Review status: criteria provided, multiple submitters, no conflicts (2 of 4 stars). 3 submissions from 3 submitters: Benign (2); Likely benign (1). Last evaluated 2026-07-01.

Allele frequency attached by ClinVar (database versions not stated): 1000 Genomes Project 30x 0.00047; 1000 Genomes Project 0.00060; TOPMed 0.00169; gnomAD 0.00185 and 0.00196; ESP Exome Variant Server 0.00208; gnomAD exomes 0.00267 and 0.00287; ExAC 0.00350.
gnomAD v4.1: 4,379 of 1,607,096 alleles (0.27%); highest among the groups gnomAD compares: Non-Finnish European, 0.33%; 15 homozygotes.

Submissions (3):

CeGaT Center for Human Genetics Tuebingen
Classification: Likely benign. Last evaluated: 2026-07-01. Review status: criteria provided, single submitter. Criteria: CeGaT Center For Human Genetics Tuebingen Variant Classification Criteria Version 2. Collection method: clinical testing. Allele origin: germline. Affected: yes. Observed: 8 variant alleles.
Comment: NSUN3: BP4, BP7

Labcorp Genetics (formerly Invitae), Labcorp
Classification: Benign. Last evaluated: 2026-01-19. Review status: criteria provided, single submitter. Criteria: Invitae Variant Classification Sherloc (09022015). Collection method: clinical testing. Allele origin: germline.

Breakthrough Genomics
Classification: Benign. Review status: criteria provided, single submitter. Criteria: ACMG Guidelines, 2015. Collection method: not provided. Allele origin: germline. Inheritance: Autosomal recessive inheritance. Affected: yes.

NM_022072.5(NSUN3):c.99C>T (p.Leu33=)

Gene: NSUN3 (NOP2/Sun RNA methyltransferase 3; plus strand). Cytogenetic location: 3q11.2.
Variant type: single nucleotide variant.
Coding change: c.99C>T on transcript NM_022072.5 (MANE Select); coding-DNA position 99, C replaced by T.
Protein change: p.Leu33=; no amino-acid change (leucine 33 retained).
Molecular consequence: synonymous variant.
Genome position (GRCh38, 1-based): chr3:94,064,523, C>T. VCF-style: chr3-94064523-C-T. GRCh37 (hg19) VCF-style: chr3-93783367-C-T.
Identifiers: ClinVar variation 1546190 (VCV001546190.32), dbSNP rs78718391, ClinGen allele CA2504613.